The following is an entry in ClinVar:

ClinVar aggregate classification (germline): Uncertain significance (1 of 4 stars; one submission).

Submission:

Labcorp Genetics (formerly Invitae), Labcorp
Classification: Uncertain significance. Last evaluated: 2025-04-03. Review status: criteria provided, single submitter. Criteria: Invitae Variant Classification Sherloc (09022015). Collection method: clinical testing. Allele origin: germline.
Comment: This sequence change replaces arginine, which is basic and polar, with serine, which is neutral and polar, at codon 68 of the GPR101 protein (p.Arg68Ser). This variant is not present in population databases (gnomAD no frequency). This variant has not been reported in the literature in individuals affected with GPR101-related conditions. An algorithm developed to predict the effect of missense changes on protein structure and function (PolyPhen-2) suggests that this variant is likely to be disruptive. In summary, the available evidence is currently insufficient to determine the role of this variant in disease. Therefore, it has been classified as a Variant of Uncertain Significance.

NM_054021.2(GPR101):c.202C>A (p.Arg68Ser)

Gene: GPR101 (G protein-coupled receptor 101; minus strand). Cytogenetic location: Xq26.3.
Variant type: single nucleotide variant.
Coding change: c.202C>A on transcript NM_054021.2 (MANE Select); coding-DNA position 202, C replaced by A.
Protein change: p.Arg68Ser; replaces arginine 68 with serine.
Molecular consequence: missense variant.
Genome position (GRCh38, 1-based): chrX:137,031,473, G>T on the plus strand (C>A on the coding strand, the complement: GPR101 is on the minus strand). VCF-style: chrX-137031473-G-T. GRCh37 (hg19) VCF-style: chrX-136113632-G-T.
Other names: short protein forms R68S.
Identifiers: ClinVar variation 4707747 (VCV004707747.1).